The following is an entry in ClinVar:

NM_182706.5(SCRIB):c.4009C>T (p.Pro1337Ser)

Gene: SCRIB (scribble planar cell polarity protein; minus strand). Cytogenetic location: 8q24.3.
Variant type: single nucleotide variant.
Coding change: c.4009C>T on transcript NM_182706.5 (MANE Select); coding-DNA position 4009, C replaced by T.
Protein change: p.Pro1337Ser; replaces proline 1337 with serine.
Molecular consequence: missense variant.
Genome position (GRCh38, 1-based): chr8:143,792,984, G>A on the plus strand (C>T on the coding strand, the complement: SCRIB is on the minus strand). VCF-style: chr8-143792984-G-A. GRCh37 (hg19) VCF-style: chr8-144875154-G-A.
Other names: c.4009C>T, p.Pro1337Ser (NM_015356.5); short protein forms P1337S.
Identifiers: ClinVar variation 3043181 (VCV003043181.2), dbSNP rs143808869, ClinGen allele CA4918421.

ClinVar aggregate classification (germline): Benign (0 of 4 stars; one submission).

Conditions:
SCRIB-related disorder. Also called: SCRIB-related condition.

Allele frequency attached by ClinVar (database versions not stated): gnomAD exomes 0.00042; gnomAD 0.00053; TOPMed 0.00061; 1000 Genomes Project 0.00180; 1000 Genomes Project 30x 0.00187; ExAC 0.00200.

Submission:

PreventionGenetics, part of Exact Sciences
Classification: Benign for SCRIB-related condition. Last evaluated: 2019-03-21. Review status: no assertion criteria provided. Collection method: clinical testing. Allele origin: germline.
Comment: This variant is classified as benign based on ACMG/AMP sequence variant interpretation guidelines (Richards et al. 2015 PMID: 25741868, with internal and published modifications).